The following is an entry in ClinVar:

NM_007294.4(BRCA1):c.288C>A (p.Asp96Glu)

Gene: BRCA1 (BRCA1 DNA repair associated; minus strand). Cytogenetic location: 17q21.31.
Variant type: single nucleotide variant.
Coding change: c.288C>A on transcript NM_007294.4 (MANE Select); coding-DNA position 288, C replaced by A.
Protein change: p.Asp96Glu; replaces aspartic acid 96 with glutamic acid.
Molecular consequence: missense variant. On other transcripts: non-coding transcript variant (1).
Genome position (GRCh38, 1-based): chr17:43,104,881, G>T on the plus strand (C>A on the coding strand, the complement: BRCA1 is on the minus strand). VCF-style: chr17-43104881-G-T. GRCh37 (hg19) VCF-style: chr17-41256898-G-T.
Other names: c.78C>A, p.Asp26Glu (NM_001407571.1, NM_001407853.1, NM_001407879.1 and 58 more transcripts); c.288C>A, p.Asp96Glu (NM_001407581.1, NM_001407582.1, NM_001407583.1 and 168 more transcripts); c.210C>A, p.Asp70Glu (NM_001407653.1, NM_001407654.1, NM_001407655.1 and 21 more transcripts); c.147C>A, p.Asp49Glu (NM_001407692.1, NM_001407694.1, NM_001407695.1 and 99 more transcripts); c.-94C>A (NM_001407959.1, NM_001407960.1, NM_001407962.1 and 4 more transcripts); c.156C>A, p.Asp52Glu (NM_001408451.1); short protein forms D49E, D96E, D70E, D26E, D52E.
Identifiers: ClinVar variation 868828 (VCV000868828.5), dbSNP rs146085503, ClinGen allele CA10601578.

ClinVar aggregate classification (germline): Uncertain significance (1 of 4 stars; one submission).

Conditions:
Hereditary cancer-predisposing syndrome. Also called: Neoplastic Syndromes, Hereditary; Tumor predisposition; Hereditary Cancer Syndrome; Hereditary neoplastic syndrome. Identifiers: Orphanet 140162, MedGen C0027672, MeSH D009386, MONDO:0015356.

Submissions (2):

Ambry Genetics
Classification: Uncertain significance for Hereditary cancer-predisposing syndrome. Last evaluated: 2022-06-21. Review status: criteria provided, single submitter. Criteria: Ambry Variant Classification Scheme 2023. Collection method: clinical testing. Allele origin: germline.
Comment: The p.D96E variant (also known as c.288C>A), located in coding exon 4 of the BRCA1 gene, results from a C to A substitution at nucleotide position 288. The aspartic acid at codon 96 is replaced by glutamic acid, an amino acid with highly similar properties. One functional study found that this nucleotide substitution is non-functional in a high-throughput, genome editing, haploid cell survival assay (Findlay GM et al. Nature, 2018 10;562:217-222). This alteration has been reported in Korean hereditary breast and ovarian cancer (HBOC) patients (Park JS et al. Cancer Res Treat, 2017 Oct;49:1012-1021; Ha HI et al. J Gynecol Oncol, 2020 Nov;31:e83). This amino acid position is highly conserved in available vertebrate species. In addition, this alteration is predicted to be deleterious by in silico analysis. Since supporting evidence is limited at this time, the clinical significance of this alteration remains unclear.

Brotman Baty Institute, University of Washington
No classification provided (evidence only). Condition: Breast-ovarian cancer, familial 1. Review status: no classification provided. Collection method: in vitro. Allele origin: not applicable. Functional consequence: functionally_abnormal. Not counted in ClinVar's aggregate classification.
ClinVar note: "not provided" was previously submitted as the classification for the variant. However, the classification appeared to be based only on an observation of functional data so it was converted to no classification on 2025-07-30.

Literature cited by the submitters: PubMed 28111427 (cited by Ambry Genetics); PubMed 30209399 (cited by Ambry Genetics); PubMed 33078592 (cited by Ambry Genetics).